The following is an entry in ClinVar:

ClinVar aggregate classification (germline): Likely benign (0 of 4 stars; one submission).

Conditions:
CHST6-related disorder. Also called: CHST6-related condition.

Allele frequency attached by ClinVar (database versions not stated): ExAC 0.00001; gnomAD 0.00001; 1000 Genomes Project 30x 0.00016; 1000 Genomes Project 0.00020.
gnomAD v4.1: 6 of 1,605,696 alleles (0.00037%); highest among the groups gnomAD compares: South Asian, 0.0033%; no homozygotes.

Submission:

PreventionGenetics, part of Exact Sciences
Classification: Likely benign for CHST6-related condition. Last evaluated: 2019-05-28. Review status: no assertion criteria provided. Collection method: clinical testing. Allele origin: germline.
Comment: This variant is classified as likely benign based on ACMG/AMP sequence variant interpretation guidelines (Richards et al. 2015 PMID: 25741868, with internal and published modifications).

NM_021615.5(CHST6):c.747C>T (p.His249=)

Gene: CHST6 (carbohydrate sulfotransferase 6; minus strand). Cytogenetic location: 16q23.1.
Variant type: single nucleotide variant.
Coding change: c.747C>T on transcript NM_021615.5 (MANE Select); coding-DNA position 747, C replaced by T.
Protein change: p.His249=; no amino-acid change (histidine 249 retained).
Molecular consequence: synonymous variant.
Genome position (GRCh38, 1-based): chr16:75,479,082, G>A on the plus strand (C>T on the coding strand, the complement: CHST6 is on the minus strand). VCF-style: chr16-75479082-G-A. GRCh37 (hg19) VCF-style: chr16-75512980-G-A.
Identifiers: ClinVar variation 3044132 (VCV003044132.2), dbSNP rs545496065, ClinGen allele CA8175406.
Genomic context (GRCh38, chr16:75,479,082, plus strand): 5'-GCGGTAGCGGCCGCGCAGAAAGGGTGGCGGCTTGAGTGTGGCGGCCTCGGCGATGCGTAC[G>A]TGGCTACGGCACACCTCGCGCACCACGCGCAGGCCGGGGTCGGCCTCCACCCACGTGCCG-3'
Protein context (NP_067628.1, residues 239-259): LRVVREVCRS[His249=]VRIAEAATLK